The following is an entry in ClinVar:

NM_002582.4(PARN):c.47A>C (p.Tyr16Ser)

Gene: PARN (poly(A)-specific ribonuclease; minus strand). Cytogenetic location: 16p13.12.
Variant type: single nucleotide variant.
Coding change: c.47A>C on transcript NM_002582.4 (MANE Select); coding-DNA position 47, A replaced by C.
Protein change: p.Tyr16Ser; replaces tyrosine 16 with serine.
Molecular consequence: missense variant. On other transcripts: 5 prime UTR variant (1).
Genome position (GRCh38, 1-based): chr16:14,629,647, T>G on the plus strand (A>C on the coding strand, the complement: PARN is on the minus strand). VCF-style: chr16-14629647-T-G. GRCh37 (hg19) VCF-style: chr16-14723504-T-G.
Other names: c.-137A>C (NM_001134477.3); c.47A>C, p.Tyr16Ser (NM_001242992.2); short protein forms Y16S.
Identifiers: ClinVar variation 4788781 (VCV004788781.1).

ClinVar aggregate classification (germline): Uncertain significance (1 of 4 stars; one submission).

Conditions:
Pulmonary fibrosis and/or bone marrow failure, Telomere-related, 4. Also called: PULMONARY FIBROSIS AND/OR BONE MARROW FAILURE SYNDROME, TELOMERE-RELATED, 4. Identifiers: Orphanet 2032, MedGen C4225347, MONDO:0014612, OMIM 616371.
Dyskeratosis congenita, autosomal recessive 6 (DKCB6). Identifiers: MedGen C4225356, MONDO:0014600, OMIM 616353.

gnomAD v4.1: 4 of 1,613,344 alleles (0.00025%); highest among the groups gnomAD compares: Non-Finnish European, 0.00034%; no homozygotes.

Submission:

Labcorp Genetics (formerly Invitae), Labcorp
Classification: Uncertain significance for Dyskeratosis congenita, autosomal recessive 6; Pulmonary fibrosis and/or bone marrow failure, Telomere-related, 4. Last evaluated: 2026-01-26. Review status: criteria provided, single submitter. Criteria: Invitae Variant Classification Sherloc (09022015). Collection method: clinical testing. Allele origin: germline.
Comment: This sequence change replaces tyrosine, which is neutral and polar, with serine, which is neutral and polar, at codon 16 of the PARN protein (p.Tyr16Ser). This variant is not present in population databases (gnomAD no frequency). This variant has not been reported in the literature in individuals affected with PARN-related conditions. Invitae Evidence Modeling of protein sequence and biophysical properties (such as structural, functional, and spatial information, amino acid conservation, physicochemical variation, residue mobility, and thermodynamic stability) indicates that this missense variant is not expected to disrupt PARN protein function with a negative predictive value of 80%. In summary, the available evidence is currently insufficient to determine the role of this variant in disease. Therefore, it has been classified as a Variant of Uncertain Significance.